The following is an entry in ClinVar:

NM_001040716.2(PC):c.2139del (p.Ser714fs)

Gene: PC (pyruvate carboxylase; minus strand). Cytogenetic location: 11q13.2.
Variant type: Deletion.
Coding change: c.2139del on transcript NM_001040716.2 (MANE Select); coding-DNA position 2139, one base deleted (C; older notation c.2139delC).
Protein change: p.Ser714fs; shifts the reading frame from serine 714.
Molecular consequence: frameshift variant.
Genome position (GRCh38, 1-based): chr11:66,851,124, G deleted on the plus strand (C on the coding strand, the reverse complement: PC is on the minus strand); the first of 4 consecutive G bases (chr11:66,851,124-66,851,127); deleting any one gives the same sequence. VCF-style (leftmost placement, unchanged base first): chr11-66851123-TG-T. GRCh37 (hg19) VCF-style: chr11-66618594-TG-T.
Other names: c.2139del, p.Ser714fs (NM_000920.4, NM_001439352.1, NM_001439353.1 and 5 more transcripts); short protein forms S714fs.
Identifiers: ClinVar variation 4723154 (VCV004723154.2).
Genomic context (GRCh38, chr11:66,851,123, plus strand): 5'-CAGCTCGCACCAGCTCTTCGGCCAAGCCCATGTAGTACTGCAGTGAGTACTTGGTGCGGC[TG>T]GGGTCGGCCACGTCGCCCGTGTATGAGATGGCAGCCTCCACCACGCCTCCGGCACTTCCT-3'

ClinVar aggregate classification (germline): Pathogenic. Review status: criteria provided, multiple submitters, no conflicts (2 of 4 stars). 2 submissions from 2 submitters: Pathogenic (2). Last evaluated 2025-07-20.

Conditions:
Pyruvate carboxylase deficiency. Also called: ATAXIA WITH LACTIC ACIDOSIS II; LEIGH NECROTIZING ENCEPHALOPATHY DUE TO PYRUVATE CARBOXYLASE DEFICIENCY; LEIGH SYNDROME DUE TO PYRUVATE CARBOXYLASE DEFICIENCY; PC DEFICIENCY; Pyruvate Carboxylase Deficiency Disease. Identifiers: Orphanet 3008, MedGen C0034341, MONDO:0009949, OMIM 266150.

Submissions (2):

Labcorp Genetics (formerly Invitae), Labcorp
Classification: Pathogenic for Pyruvate carboxylase deficiency. Last evaluated: 2025-07-20. Review status: criteria provided, single submitter. Criteria: Invitae Variant Classification Sherloc (09022015). Collection method: clinical testing. Allele origin: germline.
Comment: This sequence change creates a premature translational stop signal (p.Ser714Alafs*34) in the PC gene. It is expected to result in an absent or disrupted protein product. Loss-of-function variants in PC are known to be pathogenic (PMID: 12112657, 19306334). This variant is not present in population databases (gnomAD no frequency). This variant has not been reported in the literature in individuals affected with PC-related conditions. For these reasons, this variant has been classified as Pathogenic.

Myriad Genetics, Inc.
Classification: Pathogenic for Pyruvate carboxylase deficiency. Last evaluated: 2023-08-17. Review status: criteria provided, single submitter. Criteria: Myriad Autosomal Dominant, Autosomal Recessive and X-Linked Classification Criteria (2023). Collection method: clinical testing. Allele origin: unknown.
Comment: NM_000920.3(PC):c.2139delC(S714Afs*34) is expected to be pathogenic in the context of pyruvate carboxylase deficiency. This variant is predicted to lead to an abnormal or absent protein product due to the creation of a premature termination codon in PC, a gene where loss-of-function variants are known to be pathogenic. Please note: this variant was assessed in the context of healthy population screening.

Literature cited by the submitters: PubMed 12112657 (cited by Labcorp Genetics (formerly Invitae), Labcorp); PubMed 19306334 (cited by Labcorp Genetics (formerly Invitae), Labcorp).